The following is an entry in ClinVar:

NM_001127464.1:c.1079C>T

Gene: ZNF469 (zinc finger protein 469; plus strand).
Variant type: single nucleotide variant.
Identifiers: ClinVar variation 4615494 (VCV004615494.1).

ClinVar aggregate classification (germline): Uncertain significance (1 of 4 stars; one submission).

Conditions:
Cardiovascular phenotype. Identifiers: MedGen CN230736.

Submission:

Ambry Genetics
Classification: Uncertain significance for Cardiovascular phenotype. Last evaluated: 2025-11-07. Review status: criteria provided, single submitter. Criteria: Ambry Variant Classification Scheme 2023. Collection method: clinical testing. Allele origin: germline.
Comment: The p.A360V variant (also known as c.1079C>T), located in coding exon 1 of the ZNF469 gene, results from a C to T substitution at nucleotide position 1079. The alanine at codon 360 is replaced by valine, an amino acid with similar properties. This amino acid position is conserved. In addition, this alteration is predicted to be tolerated by in silico analysis. Based on the available evidence, the clinical significance of this variant remains unclear.